The following is an entry in ClinVar:

NM_015631.6(TCTN3):c.780G>C (p.Lys260Asn)

Gene: TCTN3 (tectonic family member 3; minus strand). Cytogenetic location: 10q24.1.
Variant type: single nucleotide variant.
Coding change: c.780G>C on transcript NM_015631.6 (MANE Select); coding-DNA position 780, G replaced by C.
Protein change: p.Lys260Asn; replaces lysine 260 with asparagine.
Molecular consequence: missense variant.
Genome position (GRCh38, 1-based): chr10:95,687,116, C>G on the plus strand (G>C on the coding strand, the complement: TCTN3 is on the minus strand). VCF-style: chr10-95687116-C-G. GRCh37 (hg19) VCF-style: chr10-97446873-C-G.
Other names: c.834G>C, p.Lys278Asn (NM_001013840.1); c.543G>C, p.Lys181Asn (NM_001143973.2); c.780G>C, p.Lys260Asn (NM_001410982.1); short protein forms K181N, K260N, K278N.
Identifiers: ClinVar variation 1990646 (VCV001990646.4), dbSNP rs757700628, ClinGen allele CA5621064.

ClinVar aggregate classification (germline): Uncertain significance. Review status: criteria provided, multiple submitters, no conflicts (2 of 4 stars). 2 submissions from 2 submitters: Uncertain significance (2). Last evaluated 2023-08-14.

Conditions:
Orofacial-digital syndrome IV (OFD4). Also called: OFD SYNDROME WITH TIBIAL DEFECTS; OFD SYNDROME, BARAITSER-BURN TYPE; OFDS IV; ORAL-FACIAL-DIGITAL SYNDROME, TYPE IV; BARAITSER-BURN SYNDROME; MOHR-MAJEWSKI SYNDROME. Identifiers: Orphanet 2753, MedGen C0406727, MONDO:0009794, OMIM 258860.
Joubert syndrome 18 (JBTS18). Identifiers: Orphanet 2754, MedGen C3553758, MONDO:0013896, OMIM 614815.

Allele frequency attached by ClinVar (database versions not stated): gnomAD 0.00001; gnomAD exomes 0.00003; ExAC 0.00006.
gnomAD v4.1: 39 of 1,613,960 alleles (0.0024%); highest among the groups gnomAD compares: South Asian, 0.04%; no homozygotes.

Submissions (2):

Blueprint Genetics
Classification: Uncertain significance. Last evaluated: 2023-08-14. Review status: criteria provided, single submitter. Criteria: ACMG Guidelines, 2015. Collection method: clinical testing. Allele origin: germline.

Labcorp Genetics (formerly Invitae), Labcorp
Classification: Uncertain significance for Joubert syndrome 18; Orofacial-digital syndrome IV. Last evaluated: 2023-07-17. Review status: criteria provided, single submitter. Criteria: Invitae Variant Classification Sherloc (09022015). Collection method: clinical testing. Allele origin: germline.
Comment: ClinVar contains an entry for this variant (Variation ID: 1990646). In summary, the available evidence is currently insufficient to determine the role of this variant in disease. Therefore, it has been classified as a Variant of Uncertain Significance. Advanced modeling of protein sequence and biophysical properties (such as structural, functional, and spatial information, amino acid conservation, physicochemical variation, residue mobility, and thermodynamic stability) performed at Invitae indicates that this missense variant is not expected to disrupt TCTN3 protein function. This variant has not been reported in the literature in individuals affected with TCTN3-related conditions. This variant is present in population databases (rs757700628, gnomAD 0.03%). This sequence change replaces lysine, which is basic and polar, with asparagine, which is neutral and polar, at codon 260 of the TCTN3 protein (p.Lys260Asn).